The following is an entry in ClinVar:

ClinVar aggregate classification (germline): Uncertain significance (1 of 4 stars; one submission).

Conditions:
Werner syndrome (WRN). Identifiers: Orphanet 902, MedGen C0043119, MONDO:0010196, OMIM 277700.

Allele frequency attached by ClinVar (database versions not stated): gnomAD exomes 0.00001.
gnomAD v4.1: 3 of 1,613,066 alleles (0.00019%); no homozygotes.

Submission:

Labcorp Genetics (formerly Invitae), Labcorp
Classification: Uncertain significance for Werner syndrome. Last evaluated: 2023-03-10. Review status: criteria provided, single submitter. Criteria: Invitae Variant Classification Sherloc (09022015). Collection method: clinical testing. Allele origin: germline.
Comment: This sequence change replaces lysine, which is basic and polar, with glutamic acid, which is acidic and polar, at codon 843 of the WRN protein (p.Lys843Glu). This variant is present in population databases (no rsID available, gnomAD 0.004%). This variant has not been reported in the literature in individuals affected with WRN-related conditions. An algorithm developed to predict the effect of missense changes on protein structure and function (PolyPhen-2) suggests that this variant is likely to be disruptive. In summary, the available evidence is currently insufficient to determine the role of this variant in disease. Therefore, it has been classified as a Variant of Uncertain Significance.

NM_000553.6(WRN):c.2527A>G (p.Lys843Glu)

Gene: WRN (WRN RecQ like helicase; plus strand). Cytogenetic location: 8p12.
Variant type: single nucleotide variant.
Coding change: c.2527A>G on transcript NM_000553.6 (MANE Select); coding-DNA position 2527, A replaced by G.
Protein change: p.Lys843Glu; replaces lysine 843 with glutamic acid.
Molecular consequence: missense variant.
Genome position (GRCh38, 1-based): chr8:31,120,321, A>G. VCF-style: chr8-31120321-A-G. GRCh37 (hg19) VCF-style: chr8-30977837-A-G.
Other names: short protein forms K843E.
Identifiers: ClinVar variation 2882751 (VCV002882751.3), dbSNP rs1341189112, ClinGen allele CA370915431.